The following is an entry in ClinVar:

NM_000518.5(HBB):c.425T>G (p.Leu142Arg)

Genes: HBB (hemoglobin subunit beta; minus strand), LOC107133510 (origin of replication at HBB; plus strand), LOC110006319 (beta-globin gene 3' regulatory region; plus strand). Cytogenetic location: 11p15.4.
Variant type: single nucleotide variant.
Coding change: c.425T>G on transcript NM_000518.5 (MANE Select); coding-DNA position 425, T replaced by G.
Protein change: p.Leu142Arg; replaces leucine 142 with arginine.
Molecular consequence: missense variant.
Genome position (GRCh38, 1-based): chr11:5,225,617, A>C on the plus strand (T>G on the coding strand, the complement: HBB is on the minus strand). VCF-style: chr11-5225617-A-C. GRCh37 (hg19) VCF-style: chr11-5246847-A-C.
Other names: L141R; c.425T>G (NM_000518.4); short protein forms L142R.
Identifiers: ClinVar variation 15298 (VCV000015298.3), dbSNP rs35854892, ClinGen allele CA125082.

ClinVar aggregate classification (germline): Uncertain significance. Review status: criteria provided, single submitter (1 of 4 stars). 2 submissions from 2 submitters: Uncertain significance (1). 1 of the submissions does not count toward it. Last evaluated 2023-09-20.

Conditions:
HEMOGLOBIN OLMSTED.

Submissions (2):

Quest Diagnostics Nichols Institute San Juan Capistrano
Classification: Uncertain significance. Last evaluated: 2023-09-20. Review status: criteria provided, single submitter. Criteria: Quest Diagnostics criteria. Collection method: clinical testing. Allele origin: unknown.
Comment: The HBB c.425T>G (p.Leu142Arg) variant has been reported in the published literature in individuals with hemolytic anemia and is known as Hb Olmsted (PMID: 5780360 (1969), 8579053 (1996)). This variant has not been reported in large, multi-ethnic general populations (Genome Aggregation Database). Based on the available information, we are unable to determine the clinical significance of this variant.

OMIM
Classification: other for HEMOGLOBIN OLMSTED. Last evaluated: 2017-12-12. Review status: no assertion criteria provided. Collection method: literature only. Allele origin: germline. Not counted in ClinVar's aggregate classification.

Literature cited by the submitters: PubMed 5780360 (cited by Quest Diagnostics Nichols Institute San Juan Capistrano and OMIM); PubMed 5492847 (cited by Quest Diagnostics Nichols Institute San Juan Capistrano and OMIM); PubMed 8579053 (cited by Quest Diagnostics Nichols Institute San Juan Capistrano and OMIM).